The following is an entry in ClinVar:

ClinVar aggregate classification (germline): Uncertain significance (1 of 4 stars; one submission).

Allele frequency attached by ClinVar (database versions not stated): gnomAD 0.00001; gnomAD exomes 0.00001 and 0.00002; TOPMed 0.00002.

Submission:

Labcorp Genetics (formerly Invitae), Labcorp
Classification: Uncertain significance. Last evaluated: 2022-08-23. Review status: criteria provided, single submitter. Criteria: Invitae Variant Classification Sherloc (09022015). Collection method: clinical testing. Allele origin: germline.
Comment: This sequence change replaces arginine with tryptophan at codon 230 of the CEP250 protein (p.Arg230Trp). The arginine residue is moderately conserved and there is a moderate physicochemical difference between arginine and tryptophan. This variant is present in population databases (no rsID available, gnomAD 0.002%). This variant has not been reported in the literature in individuals affected with CEP250-related conditions. ClinVar contains an entry for this variant (Variation ID: 1396933). Algorithms developed to predict the effect of missense changes on protein structure and function output the following: SIFT: "Not Available"; PolyPhen-2: "Benign"; Align-GVGD: "Not Available". The tryptophan amino acid residue is found in multiple mammalian species, which suggests that this missense change does not adversely affect protein function. In summary, the available evidence is currently insufficient to determine the role of this variant in disease. Therefore, it has been classified as a Variant of Uncertain Significance.

NM_007186.6(CEP250):c.688C>T (p.Arg230Trp)

Gene: CEP250 (centrosomal protein 250; plus strand). Cytogenetic location: 20q11.22.
Variant type: single nucleotide variant.
Coding change: c.688C>T on transcript NM_007186.6 (MANE Select); coding-DNA position 688, C replaced by T.
Protein change: p.Arg230Trp; replaces arginine 230 with tryptophan.
Molecular consequence: missense variant. On other transcripts: 5 prime UTR variant (1).
Genome position (GRCh38, 1-based): chr20:35,467,392, C>T. VCF-style: chr20-35467392-C-T. GRCh37 (hg19) VCF-style: chr20-34055217-C-T.
Other names: c.-1212C>T (NM_001318219.1); short protein forms R230W.
Identifiers: ClinVar variation 1396933 (VCV001396933.5), dbSNP rs1431590253, ClinGen allele CA408755632.
Genomic context (GRCh38, chr20:35,467,392, plus strand): 5'-GTGAGGCTTTCAGGGTCTCTGTTGACCTGTTGTCTGCGCTTGACTGTGGGAGCACAGTCT[C>T]GGGAACCCAACGGATCTGGAAGAATGGATGGGCGGGAGCCGGCCCAGCTGCTGCTGCTAC-3'
Protein context (NP_009117.2, residues 220-240): CLRLTVGAQS[Arg230Trp]EPNGSGRMDG